The following is an entry in ClinVar:

NM_006080.3(SEMA3A):c.811-7C>G

Gene: SEMA3A (semaphorin 3A; minus strand). Cytogenetic location: 7q21.11.
Variant type: single nucleotide variant.
Coding change: c.811-7C>G on transcript NM_006080.3 (MANE Select); 7 bases into the intron before coding-DNA position 811, C replaced by G.
Molecular consequence: intron variant.
Genome position (GRCh38, 1-based): chr7:84,011,304, G>C on the plus strand (C>G on the coding strand, the complement: SEMA3A is on the minus strand). VCF-style: chr7-84011304-G-C. GRCh37 (hg19) VCF-style: chr7-83640620-G-C.
Identifiers: ClinVar variation 3348597 (VCV003348597.1).
Genomic context (GRCh38, chr7:84,011,304, plus strand): 5'-TTTGAGGAATGTTGTCCATTTATTCACCAGACTTCTGTGCCCTCCAAAGTCATTCTGAAA[G>C]AAGGGAACACCAGTGTTAGGCACTGTTAATGAAAATGATAATTTGAAACATTTCTATTTT-3'

ClinVar aggregate classification (germline): Likely benign (0 of 4 stars; one submission).

Conditions:
SEMA3A-related disorder. Also called: SEMA3A-related condition.

Submission:

PreventionGenetics, part of Exact Sciences
Classification: Likely benign for SEMA3A-related condition. Last evaluated: 2023-11-08. Review status: no assertion criteria provided. Collection method: clinical testing. Allele origin: germline.
Comment: This variant is classified as likely benign based on ACMG/AMP sequence variant interpretation guidelines (Richards et al. 2015 PMID: 25741868, with internal and published modifications).